The following is an entry in ClinVar:

NM_000180.4(GUCY2D):c.1405G>A (p.Gly469Ser)

Gene: GUCY2D (guanylate cyclase 2D, retinal; plus strand). Cytogenetic location: 17p13.1.
Variant type: single nucleotide variant.
Coding change: c.1405G>A on transcript NM_000180.4 (MANE Select); coding-DNA position 1405, G replaced by A.
Protein change: p.Gly469Ser; replaces glycine 469 with serine.
Molecular consequence: missense variant.
Genome position (GRCh38, 1-based): chr17:8,007,086, G>A. VCF-style: chr17-8007086-G-A. GRCh37 (hg19) VCF-style: chr17-7910404-G-A.
Other names: short protein forms G469S.
Identifiers: ClinVar variation 1373284 (VCV001373284.4), dbSNP rs748301943, ClinGen allele CA8365741.

ClinVar aggregate classification (germline): Uncertain significance. Review status: criteria provided, multiple submitters, no conflicts (2 of 4 stars). 2 submissions from 2 submitters: Uncertain significance (2). Last evaluated 2024-05-08.

Conditions:
Leber congenital amaurosis 1 (LCA1). Also called: Congenital absence of the rods and cones; Leber's congenital tapetoretinal degeneration; Leber's congenital tapetoretinal dysplasia; RETINAL BLINDNESS, CONGENITAL; AMAUROSIS CONGENITA OF LEBER I. Identifiers: Orphanet 65, MedGen C2931258, MONDO:0008764, OMIM 204000.
Cone-rod dystrophy 6 (CORD6). Also called: Cone dystrophy progressive; RETINAL CONE DYSTROPHY 2. Identifiers: Orphanet 1872, MedGen C1866293, MONDO:0011143, OMIM 601777.

Allele frequency attached by ClinVar (database versions not stated): TOPMed below 0.00001; gnomAD 0.00001; gnomAD exomes 0.00002; ExAC 0.00003.
gnomAD v4.1: 30 of 1,614,000 alleles (0.0019%); highest among the groups gnomAD compares: South Asian, 0.026%; no homozygotes.

Submissions (2):

Blueprint Genetics
Classification: Uncertain significance. Last evaluated: 2024-05-08. Review status: criteria provided, single submitter. Criteria: ACMG Guidelines, 2015. Collection method: clinical testing. Allele origin: germline.

Labcorp Genetics (formerly Invitae), Labcorp
Classification: Uncertain significance for Leber congenital amaurosis 1; Cone-rod dystrophy 6. Last evaluated: 2022-09-01. Review status: criteria provided, single submitter. Criteria: Invitae Variant Classification Sherloc (09022015). Collection method: clinical testing. Allele origin: germline.
Comment: This sequence change replaces glycine, which is neutral and non-polar, with serine, which is neutral and polar, at codon 469 of the GUCY2D protein (p.Gly469Ser). This variant is present in population databases (rs748301943, gnomAD 0.02%). This variant has not been reported in the literature in individuals affected with GUCY2D-related conditions. ClinVar contains an entry for this variant (Variation ID: 1373284). Algorithms developed to predict the effect of missense changes on protein structure and function output the following: SIFT: "Tolerated"; PolyPhen-2: "Benign"; Align-GVGD: "Class C0". The serine amino acid residue is found in multiple mammalian species, which suggests that this missense change does not adversely affect protein function. Algorithms developed to predict the effect of sequence changes on RNA splicing suggest that this variant may create or strengthen a splice site. In summary, the available evidence is currently insufficient to determine the role of this variant in disease. Therefore, it has been classified as a Variant of Uncertain Significance.